The following is an entry in ClinVar:

NM_005094.4(SLC27A4):c.1711A>T (p.Lys571Ter)

Gene: SLC27A4 (solute carrier family 27 member 4; plus strand). Cytogenetic location: 9q34.11.
Variant type: single nucleotide variant.
Coding change: c.1711A>T on transcript NM_005094.4 (MANE Select); coding-DNA position 1711, A replaced by T.
Protein change: p.Lys571Ter; replaces lysine 571 with a stop codon.
Molecular consequence: nonsense.
Genome position (GRCh38, 1-based): chr9:128,355,733, A>T. VCF-style: chr9-128355733-A-T. GRCh37 (hg19) VCF-style: chr9-131118012-A-T.
Other names: short protein forms K571*.
Identifiers: ClinVar variation 2878187 (VCV002878187.3), dbSNP rs369542828, ClinGen allele CA375037221.

ClinVar aggregate classification (germline): Pathogenic (1 of 4 stars; one submission).

gnomAD v4.1: 3 of 1,613,656 alleles (0.00019%); highest among the groups gnomAD compares: Admixed American, 0.0017%; no homozygotes.

Submission:

Labcorp Genetics (formerly Invitae), Labcorp
Classification: Pathogenic. Last evaluated: 2023-12-13. Review status: criteria provided, single submitter. Criteria: Invitae Variant Classification Sherloc (09022015). Collection method: clinical testing. Allele origin: germline.
Comment: This sequence change creates a premature translational stop signal (p.Lys571*) in the SLC27A4 gene. It is expected to result in an absent or disrupted protein product. Loss-of-function variants in SLC27A4 are known to be pathogenic (PMID: 19631310, 21450060). This variant is present in population databases (no rsID available, gnomAD 0.003%). This variant has not been reported in the literature in individuals affected with SLC27A4-related conditions. For these reasons, this variant has been classified as Pathogenic.

Literature cited by the submitters: PubMed 19631310; PubMed 21450060.